The following is an entry in ClinVar:

ClinVar aggregate classification (germline): Uncertain significance (1 of 4 stars; one submission).

Submission:

GeneDx
Classification: Uncertain significance. Last evaluated: 2022-02-15. Review status: criteria provided, single submitter. Criteria: GeneDx Variant Classification Process June 2021. Collection method: clinical testing. Allele origin: germline. Affected: yes.
Comment: Not observed at significant frequency in large population cohorts (gnomAD); In silico analysis supports that this missense variant does not alter protein structure/function; In silico analysis supports a deleterious effect on splicing; Has not been previously published as pathogenic or benign to our knowledge

NM_015346.4(ZFYVE26):c.896A>T (p.Asp299Val)

Gene: ZFYVE26 (zinc finger FYVE-type containing 26; minus strand). Cytogenetic location: 14q24.1.
Variant type: single nucleotide variant.
Coding change: c.896A>T on transcript NM_015346.4 (MANE Select); coding-DNA position 896, A replaced by T.
Protein change: p.Asp299Val; replaces aspartic acid 299 with valine.
Molecular consequence: missense variant.
Genome position (GRCh38, 1-based): chr14:67,806,666, T>A on the plus strand (A>T on the coding strand, the complement: ZFYVE26 is on the minus strand). VCF-style: chr14-67806666-T-A. GRCh37 (hg19) VCF-style: chr14-68273383-T-A.
Other names: short protein forms D299V.
Identifiers: ClinVar variation 1700894 (VCV001700894.2), dbSNP rs2140251095, ClinGen allele CA390160374.
Genomic context (GRCh38, chr14:67,806,666, plus strand): 5'-GCCTCGGCTGGGTTGGGATTGGAGAACAGGGCTAGCATTGCCCGCTCAGGATCTAGATGA[T>A]CCGGTGAGACTGAACATCAAACAAGACGGTTATCAGGAAACCAAGAACTCTTCTTTTCTA-3'
Protein context (NP_056161.2, residues 289-309): RATASGKVSP[Asp299Val]HLDPERAMLA